The following is an entry in ClinVar:

ClinVar aggregate classification (germline): Likely benign (1 of 4 stars; one submission).

Submission:

CeGaT Center for Human Genetics Tuebingen
Classification: Likely benign. Last evaluated: 2023-01-01. Review status: criteria provided, single submitter. Criteria: CeGaT Center For Human Genetics Tuebingen Variant Classification Criteria Version 2. Collection method: clinical testing. Allele origin: germline. Affected: yes. Observed: 1 variant allele.
Comment: LAS1L: PM2:Supporting, BP4, BP7

NM_031206.7(LAS1L):c.723G>A (p.Lys241=)

Gene: LAS1L (LAS1 like ribosome biogenesis factor; minus strand). Cytogenetic location: Xq12.
Variant type: single nucleotide variant.
Coding change: c.723G>A on transcript NM_031206.7 (MANE Select); coding-DNA position 723, G replaced by A.
Protein change: p.Lys241=; no amino-acid change (lysine 241 retained).
Molecular consequence: synonymous variant. On other transcripts: 5 prime UTR variant (1), non-coding transcript variant (1).
Genome position (GRCh38, 1-based): chrX:65,529,670, C>T on the plus strand (G>A on the coding strand, the complement: LAS1L is on the minus strand). VCF-style: chrX-65529670-C-T. GRCh37 (hg19) VCF-style: chrX-64749550-C-T.
Other names: c.723G>A, p.Lys241= (NM_001170649.2, NM_001375328.1, NM_001375329.1 and 8 more transcripts); c.597G>A, p.Lys199= (NM_001170650.2); c.-74G>A (NM_001375332.1).
Identifiers: ClinVar variation 2660758 (VCV002660758.24), dbSNP rs2522653900, ClinGen allele CA516833557.